The following is an entry in ClinVar:

NM_003742.4(ABCB11):c.936G>T (p.Gln312His)

Gene: ABCB11 (ATP binding cassette subfamily B member 11; minus strand). Cytogenetic location: 2q31.1.
Variant type: single nucleotide variant.
Coding change: c.936G>T on transcript NM_003742.4 (MANE Select); coding-DNA position 936, G replaced by T.
Protein change: p.Gln312His; replaces glutamine 312 with histidine.
Molecular consequence: missense variant.
Genome position (GRCh38, 1-based): chr2:168,986,257, C>A on the plus strand (G>T on the coding strand, the complement: ABCB11 is on the minus strand). VCF-style: chr2-168986257-C-A. GRCh37 (hg19) VCF-style: chr2-169842767-C-A.
Other names: NM_003742.4(ABCB11):c.936G>T; p.Gln312His; c.936G>T, p.Gln312His (LRG_1199t1); short protein forms Q312H.
Identifiers: ClinVar variation 381718 (VCV000381718.17), dbSNP rs770497192, ClinGen allele CA16603975.

ClinVar aggregate classification (germline): Conflicting classifications of pathogenicity. Review status: criteria provided, conflicting classifications (1 of 4 stars). 13 submissions from 13 submitters: Likely pathogenic (1); Uncertain significance (10); Likely benign (1). 1 of the submissions does not count toward it. Last evaluated 2026-04-14.

Conditions:
Familial intrahepatic cholestasis. Identifiers: Orphanet 284385, MedGen CN296401, MONDO:0017290.
Progressive familial intrahepatic cholestasis type 2. Identifiers: Orphanet 79304, MedGen C3489789, MONDO:0011156, OMIM 601847.
Benign recurrent intrahepatic cholestasis type 2 (BRIC2). Also called: Recurrent familial intrahepatic cholestasis 2. Identifiers: Orphanet 65682, Orphanet 99961, MedGen C2608083, MONDO:0011559, OMIM 605479.

Allele frequency attached by ClinVar (database versions not stated): gnomAD 0.00001.
gnomAD v4.1: 16 of 1,612,954 alleles (0.00099%); highest among the groups gnomAD compares: Middle Eastern, 0.19%; no homozygotes.

Submissions (13):

Genomenon, Inc
Classification: Uncertain significance for Familial intrahepatic cholestasis. Last evaluated: 2026-04-14. Review status: criteria provided, single submitter. Criteria: Genomenon Sequence Variant Interpretation Standards - Updated. Collection method: curation. Allele origin: germline. Affected: yes.
Comment: ABCB11 p.Gln312His (c.936G>T) is a missense variant that changes the amino acid at residue 312 from Glutamine to Histidine. This variant has been observed in at least one proband with an ABCB11-related disorder (PMID:38108658;35780807;33915153;19101985). At least one splicing study demonstrated no effect on splicing (PMID:19101985). It is absent or not present at a significant frequency in gnomAD. In silico models predict that this variant is possibly or probably damaging. In conclusion, we classify ABCB11 p.Gln312His (c.936G>T) as a variant of uncertain significance.

Broad Center for Mendelian Genomics, Broad Institute of MIT and Harvard
Classification: Uncertain significance for Progressive familial intrahepatic cholestasis type 2. Last evaluated: 2025-01-30. Review status: criteria provided, single submitter. Criteria: ACMG Guidelines, 2015. Collection method: curation. Allele origin: germline. Inheritance: Autosomal recessive inheritance.
Comment: The p.Gln312His variant in ABCB11 has been reported in 4 individuals with BSEP deficiency (PMID: 19101985, 28454995, 33915153, 38108658), and has been identified in 0.19% (11/5718) of Middle Eastern chromosomes by the Genome Aggregation Database (gnomAD; dbSNP rs770497192). Although this variant has been seen in the general population in a heterozygous state, its frequency is not high enough to rule out a pathogenic role. This variant has also been reported in ClinVar (Variation ID: 381718) and has been interpreted as a variant of uncertain significance by GeneDx, Women's Health and Genetics/Laboratory Corporation of America (LabCorp), and Revvity and pathogenic by Biochemical Molecular Genetic Laboratory (King Abdulaziz Medical City). Of the 4 affected individuals, 1 was a homozygote, which increases the likelihood that the p.Gln312His variant is pathogenic (PMID: 38108658). Computational prediction tools and conservation analyses suggest that this variant may impact the protein, though this information is not predictive enough to determine pathogenicity. In summary, the clinical significance of the p.Gln312His variant is uncertain. ACMG/AMP Criteria applied: PP3_moderate, PM3_supporting (Richards 2015).

3billion
Classification: Likely benign for Progressive familial intrahepatic cholestasis type 2; Benign recurrent intrahepatic cholestasis type 2. Last evaluated: 2024-09-20. Review status: criteria provided, single submitter. Criteria: ACMG Guidelines, 2015. Collection method: clinical testing. Allele origin: germline. Affected: no.
Comment: The homozygous variant was found in patients diagnosed with another variant in a different gene, with no symptoms related to the gene containing the homozygous variant.

Genomic Medicine Center of Excellence, King Faisal Specialist Hospital and Research Centre
Classification: Uncertain significance for Progressive familial intrahepatic cholestasis type 2. Last evaluated: 2024-03-25. Review status: criteria provided, single submitter. Criteria: ACMG Guidelines, 2015. Collection method: clinical testing. Allele origin: germline.

Women's Health and Genetics/Laboratory Corporation of America, LabCorp
Classification: Uncertain significance. Last evaluated: 2023-07-29. Review status: criteria provided, single submitter. Criteria: LabCorp Variant Classification Summary - May 2015. Collection method: clinical testing. Allele origin: germline.
Comment: Variant summary: ABCB11 c.936G>T (p.Gln312His) results in a non-conservative amino acid change located in the ABC transporter type 1, transmembrane domain (IPR011527) of the encoded protein sequence. Five of five in-silico tools predict a damaging effect of the variant on protein function. The variant was absent in 248676 control chromosomes. The available data on variant occurrences in the general population are insufficient to allow any conclusion about variant significance. c.936G>T has been reported in the literature as a homozygous complex allele in cis with a pathogenic variant c.3382C>T, p.R128C in two siblings affected with severe features of progressive familial intrahepatic cholestasis (Al-Hussaini_2021); as a non-informative genotype (second allele not specified) (Byrne_2009, Al-Hussaini_2021) and/or with putatively pathogenic or uncertain variants in other genes such as SLC4A2 (low phospholipid-associated cholelithiasis (LPAC), uncertain, Huynh_2019), ATP8B1 (Progressive familial intrahepatic cholestasis (PFIC), pathogenic, Alfares_2017). It was also ascertained as a presumably compound heterozygous genotype with another pathogenic ABCB11 variant in at-least one individual affected with Progressive familial intrahepatic cholestasis (PFIC) (Thompson_2022). These data do not allow any conclusion about variant significance. in isolation. At-least one co-occurrence with another homozygous pathogenic variant(s) has been reported as discussed above (ABCB11, c.3382C>T, p.R128C) providing supporting evidence for a non-causative role. To our knowledge, no experimental evidence demonstrating an impact on protein function has been reported. The following publications have been ascertained in the context of this evaluation (PMID: 33915153, 28454995, 19101985, 31538484, 35780807). Three submitters have cited clinical-significance assessments for this variant to ClinVar after 2014, classifying the variant as uncertain significance (n=2) or likely pathogenic (n=1). Based on the evidence outlined above, the variant was classified as uncertain significance.

Blueprint Genetics
Classification: Uncertain significance. Last evaluated: 2023-05-17. Review status: criteria provided, single submitter. Criteria: ACMG Guidelines, 2015. Collection method: clinical testing. Allele origin: germline.

GeneDx
Classification: Uncertain significance. Last evaluated: 2023-05-02. Review status: criteria provided, single submitter. Criteria: GeneDx Variant Classification Process June 2021. Collection method: clinical testing. Allele origin: germline. Affected: yes.
Comment: Reported previously in the heterozygous state in association with prolonged neonatal hepatitis and low phospholipid-associated cholelithiasis (Byrne et al., 2009; Huynh et al., 2019); Not observed at significant frequency in large population cohorts (gnomAD); In silico analysis supports that this missense variant does not alter protein structure/function; This variant is associated with the following publications: (PMID: 31538484, 28454995, 33915153, 19101985)

Institute of Human Genetics, Clinical Exome/Genome Diagnostics Group, University Hospital Bonn
Classification: Uncertain significance for Benign recurrent intrahepatic cholestasis type 2; Progressive familial intrahepatic cholestasis type 2. Last evaluated: 2022-11-23. Review status: criteria provided, single submitter. Criteria: ACMG Guidelines, 2015. Collection method: clinical testing. Allele origin: maternal.

Revvity Omics, Revvity
Classification: Uncertain significance. Last evaluated: 2022-08-23. Review status: criteria provided, single submitter. Criteria: ACMG Guidelines, 2015. Collection method: clinical testing. Allele origin: germline.

Department of Pathology and Laboratory Medicine, Sinai Health System
Classification: Uncertain significance for Progressive familial intrahepatic cholestasis type 2; Benign recurrent intrahepatic cholestasis type 2. Last evaluated: 2022-07-13. Review status: criteria provided, single submitter. Criteria: ACMG Guidelines, 2015. Collection method: research. Allele origin: germline.

Breakthrough Genomics
Classification: Uncertain significance. Review status: criteria provided, single submitter. Criteria: ACMG Guidelines, 2015. Collection method: not provided. Allele origin: germline. Inheritance: Autosomal recessive inheritance. Affected: yes.

Clinical Genetics Service, Universitary Hospital 12 de Octubre
Classification: Likely pathogenic for Progressive familial intrahepatic cholestasis type 2. Review status: criteria provided, single submitter. Criteria: ACMG Guidelines, 2015. Collection method: clinical testing. Allele origin: germline. Affected: yes.

Biochemical Molecular Genetic Laboratory, King Abdulaziz Medical City
Classification: Likely pathogenic for Progressive familial intrahepatic cholestasis type 2. Last evaluated: 2019-09-26. Review status: flagged submission. Collection method: clinical testing. Allele origin: germline. Affected: yes. Not counted in ClinVar's aggregate classification.
ClinVar note: Reason: Outlier claim with insufficient supporting evidence

Literature cited by the submitters: PubMed 38108658 (cited by Genomenon, Inc); PubMed 35780807 (cited by Genomenon, Inc and Women's Health and Genetics/Laboratory Corporation of America, LabCorp); PubMed 33915153 (cited by Genomenon, Inc and Women's Health and Genetics/Laboratory Corporation of America, LabCorp); PubMed 19101985 (cited by Genomenon, Inc and Women's Health and Genetics/Laboratory Corporation of America, LabCorp); PubMed 28454995 (cited by Women's Health and Genetics/Laboratory Corporation of America, LabCorp); PubMed 31538484 (cited by Women's Health and Genetics/Laboratory Corporation of America, LabCorp).